The following is an entry in ClinVar:

NM_000303.3(PMM2):c.296T>A (p.Leu99Ter)

Gene: PMM2 (phosphomannomutase 2; plus strand). Cytogenetic location: 16p13.2.
Variant type: single nucleotide variant.
Coding change: c.296T>A on transcript NM_000303.3 (MANE Select); coding-DNA position 296, T replaced by A.
Protein change: p.Leu99Ter; replaces leucine 99 with a stop codon.
Molecular consequence: nonsense.
Genome position (GRCh38, 1-based): chr16:8,806,356, T>A. VCF-style: chr16-8806356-T-A. GRCh37 (hg19) VCF-style: chr16-8900213-T-A.
Other names: short protein forms L99*.
Identifiers: ClinVar variation 1726410 (VCV001726410.2), dbSNP rs2060647574, ClinGen allele CA394696192.

ClinVar aggregate classification (germline): Likely pathogenic (1 of 4 stars; one submission).

Conditions:
PMM2-congenital disorder of glycosylation. Also called: CDG Ia; Congenital disorder of glycosylation, type Ia; JAEKEN SYNDROME; PHOSPHOMANNOMUTASE 2 DEFICIENCY; CARBOHYDRATE-DEFICIENT GLYCOPROTEIN SYNDROME, TYPE Ia; PMM2-CDG. Identifiers: Orphanet 79318, MedGen C0349653, MONDO:0008907, OMIM 212065.

Submission:

Myriad Genetics, Inc.
Classification: Likely pathogenic for PMM2-congenital disorder of glycosylation. Last evaluated: 2021-12-10. Review status: criteria provided, single submitter. Criteria: Myriad Women's Health Autosomal Recessive and X-Linked Classification Criteria (2021). Collection method: clinical testing. Allele origin: unknown.
Comment: NM_000303.2(PMM2):c.296T>A(L99*) is expected to be pathogenic in the context of congenital disorder of glycosylation type Ia. This variant is predicted to lead to an abnormal or absent protein product due to the creation of a premature termination codon in PMM2, a gene where loss-of-function variants are known to be pathogenic. Please note: this variant was assessed in the context of healthy population screening.